The following is an entry in ClinVar:

ClinVar aggregate classification (germline): Uncertain significance (1 of 4 stars; one submission).

Conditions:
Norman-Roberts syndrome (LIS2). Also called: Lissencephaly 2 (Norman-Roberts type). Identifiers: Orphanet 89844, MedGen C0796089, MONDO:0009760, OMIM 257320.
Familial temporal lobe epilepsy 7. Identifiers: Orphanet 101046, MedGen C4225327, MONDO:0014639, OMIM 616436.

Submission:

Labcorp Genetics (formerly Invitae), Labcorp
Classification: Uncertain significance for Familial temporal lobe epilepsy 7; Norman-Roberts syndrome. Last evaluated: 2024-04-16. Review status: criteria provided, single submitter. Criteria: Invitae Variant Classification Sherloc (09022015). Collection method: clinical testing. Allele origin: germline.
Comment: This sequence change replaces serine, which is neutral and polar, with asparagine, which is neutral and polar, at codon 2803 of the RELN protein (p.Ser2803Asn). This variant is not present in population databases (gnomAD no frequency). This variant has not been reported in the literature in individuals affected with RELN-related conditions. Advanced modeling of protein sequence and biophysical properties (such as structural, functional, and spatial information, amino acid conservation, physicochemical variation, residue mobility, and thermodynamic stability) performed at Invitae indicates that this missense variant is not expected to disrupt RELN protein function with a negative predictive value of 80%. In summary, the available evidence is currently insufficient to determine the role of this variant in disease. Therefore, it has been classified as a Variant of Uncertain Significance.

NM_005045.4(RELN):c.8408G>A (p.Ser2803Asn)

Genes: RELN (reelin; minus strand), SLC26A5-AS1 (SLC26A5 antisense RNA 1; plus strand). Cytogenetic location: 7q22.1.
Variant type: single nucleotide variant.
Coding change: c.8408G>A on transcript NM_005045.4 (MANE Select); coding-DNA position 8408, G replaced by A.
Protein change: p.Ser2803Asn; replaces serine 2803 with asparagine.
Molecular consequence: missense variant.
Genome position (GRCh38, 1-based): chr7:103,503,097, C>T on the plus strand (G>A on the coding strand, the complement: RELN is on the minus strand). VCF-style: chr7-103503097-C-T. GRCh37 (hg19) VCF-style: chr7-103143544-C-T.
Other names: c.8408G>A, p.Ser2803Asn (NM_173054.3); short protein forms S2803N.
Identifiers: ClinVar variation 3748231 (VCV003748231.2).